The following is an entry in ClinVar:

NM_002878.4(RAD51D):c.365C>T (p.Ala122Val)

Genes: RAD51D (RAD51 paralog D; minus strand), RAD51L3-RFFL (RAD51L3-RFFL readthrough; minus strand). Cytogenetic location: 17q12.
Variant type: single nucleotide variant.
Coding change: c.365C>T on transcript NM_002878.4 (MANE Select); coding-DNA position 365, C replaced by T.
Protein change: p.Ala122Val; replaces alanine 122 with valine.
Molecular consequence: missense variant. On other transcripts: non-coding transcript variant (1), intron variant (1).
Genome position (GRCh38, 1-based): chr17:35,107,103, G>A on the plus strand (C>T on the coding strand, the complement: RAD51D is on the minus strand). VCF-style: chr17-35107103-G-A. GRCh37 (hg19) VCF-style: chr17-33434122-G-A.
Other names: c.365C>T (NM_002878.3); c.425C>T, p.Ala142Val (NM_001142571.2); c.145-622C>T (NM_133629.3); short protein forms A142V, A122V.
Identifiers: ClinVar variation 1042992 (VCV001042992.6), dbSNP rs1489866177, ClinGen allele CA399089368.

ClinVar aggregate classification (germline): Uncertain significance. Review status: criteria provided, multiple submitters, no conflicts (2 of 4 stars). 2 submissions from 2 submitters: Uncertain significance (2). Last evaluated 2025-05-17.

Conditions:
Hereditary cancer-predisposing syndrome. Also called: Hereditary Cancer Syndrome; Tumor predisposition; Hereditary neoplastic syndrome; Neoplastic Syndromes, Hereditary. Identifiers: Orphanet 140162, MedGen C0027672, MeSH D009386, MONDO:0015356.
Breast-ovarian cancer, familial, susceptibility to, 4. Identifiers: Orphanet 145, MedGen C3280345, MONDO:0013669, OMIM 614291.

Allele frequency attached by ClinVar (database versions not stated): gnomAD exomes below 0.00001.
gnomAD v4.1: 3 of 1,614,054 alleles (0.00019%); highest among the groups gnomAD compares: Non-Finnish European, 0.00025%; no homozygotes.

Submissions (2):

Labcorp Genetics (formerly Invitae), Labcorp
Classification: Uncertain significance for Breast-ovarian cancer, familial, susceptibility to, 4. Last evaluated: 2025-05-17. Review status: criteria provided, single submitter. Criteria: Invitae Variant Classification Sherloc (09022015). Collection method: clinical testing. Allele origin: germline.
Comment: This sequence change replaces alanine, which is neutral and non-polar, with valine, which is neutral and non-polar, at codon 122 of the RAD51D protein (p.Ala122Val). This variant is not present in population databases (gnomAD no frequency). This variant has not been reported in the literature in individuals affected with RAD51D-related conditions. ClinVar contains an entry for this variant (Variation ID: 1042992). Invitae Evidence Modeling of protein sequence and biophysical properties (such as structural, functional, and spatial information, amino acid conservation, physicochemical variation, residue mobility, and thermodynamic stability) indicates that this missense variant is not expected to disrupt RAD51D protein function with a negative predictive value of 80%. In summary, the available evidence is currently insufficient to determine the role of this variant in disease. Therefore, it has been classified as a Variant of Uncertain Significance.

Ambry Genetics
Classification: Uncertain significance for Hereditary cancer-predisposing syndrome. Last evaluated: 2025-04-28. Review status: criteria provided, single submitter. Criteria: Ambry Variant Classification Scheme 2023. Collection method: clinical testing. Allele origin: germline.
Comment: The p.A122V variant (also known as c.365C>T), located in coding exon 5 of the RAD51D gene, results from a C to T substitution at nucleotide position 365. The alanine at codon 122 is replaced by valine, an amino acid with similar properties. This amino acid position is conserved. In addition, the in silico prediction for this alteration is inconclusive. Based on the available evidence, the clinical significance of this variant remains unclear.